The following is an entry in ClinVar:

NM_004656.4(BAP1):c.1809C>T (p.Val603=)

Gene: BAP1 (BRCA1 associated deubiquitinase 1; minus strand). Cytogenetic location: 3p21.1.
Variant type: single nucleotide variant.
Coding change: c.1809C>T on transcript NM_004656.4 (MANE Select); coding-DNA position 1809, C replaced by T.
Protein change: p.Val603=; no amino-acid change (valine 603 retained).
Molecular consequence: synonymous variant.
Genome position (GRCh38, 1-based): chr3:52,403,219, G>A on the plus strand (C>T on the coding strand, the complement: BAP1 is on the minus strand). VCF-style: chr3-52403219-G-A. GRCh37 (hg19) VCF-style: chr3-52437235-G-A.
Identifiers: ClinVar variation 1110506 (VCV001110506.14), dbSNP rs1338737207, ClinGen allele CA433885933.

ClinVar aggregate classification (germline): Benign/Likely benign. Review status: criteria provided, multiple submitters, no conflicts (2 of 4 stars). 5 submissions from 5 submitters: Benign (1); Likely benign (4). Last evaluated 2025-08-25.

Conditions:
BAP1-related tumor predisposition syndrome (TPDS1). Also called: TUMOR PREDISPOSITION SYNDROME 1; COMMON Syndrome; Tumor susceptibility linked to germline BAP1 mutations; BAP1 tumor predisposition syndrome. Identifiers: Orphanet 289539, MedGen C3280492, MONDO:0013692, OMIM 614327.
Hereditary cancer-predisposing syndrome. Also called: Tumor predisposition; Hereditary Cancer Syndrome; Neoplastic Syndromes, Hereditary; Hereditary neoplastic syndrome. Identifiers: Orphanet 140162, MedGen C0027672, MeSH D009386, MONDO:0015356.

Allele frequency attached by ClinVar (database versions not stated): gnomAD exomes below 0.00001; gnomAD 0.00001; TOPMed 0.00001.

Submissions (5):

Color Diagnostics, LLC DBA Color Health
Classification: Likely benign for Hereditary cancer-predisposing syndrome. Last evaluated: 2025-08-25. Review status: criteria provided, single submitter. Criteria: ACMG Guidelines, 2015. Collection method: clinical testing. Allele origin: germline.

Labcorp Genetics (formerly Invitae), Labcorp
Classification: Likely benign for BAP1-related tumor predisposition syndrome. Last evaluated: 2025-06-08. Review status: criteria provided, single submitter. Criteria: Invitae Variant Classification Sherloc (09022015). Collection method: clinical testing. Allele origin: germline.

Myriad Genetics, Inc.
Classification: Benign for BAP1-related tumor predisposition syndrome. Last evaluated: 2024-07-17. Review status: criteria provided, single submitter. Criteria: Myriad Autosomal Dominant, Autosomal Recessive and X-Linked Classification Criteria (2023). Collection method: clinical testing. Allele origin: unknown.
Comment: This variant is considered benign. This variant is a silent/synonymous amino acid change and it is not expected to impact splicing.

Ambry Genetics
Classification: Likely benign for Hereditary cancer-predisposing syndrome. Last evaluated: 2021-08-25. Review status: criteria provided, single submitter. Criteria: Ambry Variant Classification Scheme 2023. Collection method: clinical testing. Allele origin: germline.

GeneDx
Classification: Likely benign. Last evaluated: 2019-06-11. Review status: criteria provided, single submitter. Criteria: GeneDx Variant Classification Process June 2021. Collection method: clinical testing. Allele origin: germline. Affected: yes.